The following is an entry in ClinVar:

ClinVar aggregate classification (germline): Pathogenic/Likely pathogenic. Review status: criteria provided, multiple submitters, no conflicts (2 of 4 stars). 3 submissions from 3 submitters: Pathogenic (2); Likely pathogenic (1). Last evaluated 2025-05-29.

Conditions:
Nemaline myopathy. Also called: Myopathies, Nemaline. Identifiers: Orphanet 607, MedGen C0206157, MONDO:0018958.
Nemaline myopathy 2 (NEM2). Also called: Nemaline myopathy 2, autosomal recessive. Identifiers: MedGen C1850569, MONDO:0009725, OMIM 256030.
Arthrogryposis multiplex congenita 6. Identifiers: MedGen C5543431, MONDO:0030281, OMIM 619334.

Submissions (3):

Women's Health and Genetics/Laboratory Corporation of America, LabCorp
Classification: Pathogenic for Nemaline myopathy. Last evaluated: 2025-05-29. Review status: criteria provided, single submitter. Criteria: LabCorp Variant Classification Summary - May 2015. Collection method: clinical testing. Allele origin: germline.
Comment: Variant summary: NEB c.5136_5139delTGAG (p.Ser1712ArgfsX11) results in a premature termination codon, predicted to cause a truncation of the encoded protein or absence of the protein due to nonsense mediated decay, which are commonly known mechanisms for disease. The variant was absent in 248662 control chromosomes. To our knowledge, no occurrence of c.5136_5139delTGAG in individuals affected with Nemaline Myopathy 2 and no experimental evidence demonstrating its impact on protein function have been reported. ClinVar contains an entry for this variant (Variation ID: 2677169). Based on the evidence outlined above, the variant was classified as pathogenic.

Labcorp Genetics (formerly Invitae), Labcorp
Classification: Pathogenic for Nemaline myopathy 2. Last evaluated: 2023-12-21. Review status: criteria provided, single submitter. Criteria: Invitae Variant Classification Sherloc (09022015). Collection method: clinical testing. Allele origin: germline.
Comment: This sequence change creates a premature translational stop signal (p.Ser1712Argfs*11) in the NEB gene. It is expected to result in an absent or disrupted protein product. Loss-of-function variants in NEB are known to be pathogenic (PMID: 25205138). This variant is not present in population databases (gnomAD no frequency). This variant has not been reported in the literature in individuals affected with NEB-related conditions. For these reasons, this variant has been classified as Pathogenic.

Baylor Genetics
Classification: Likely pathogenic for Arthrogryposis multiplex congenita 6. Last evaluated: 2021-11-13. Review status: criteria provided, single submitter. Criteria: ACMG Guidelines, 2015. Collection method: clinical testing. Allele origin: unknown.

Literature cited by the submitters: PubMed 25205138 (cited by Labcorp Genetics (formerly Invitae), Labcorp).

NM_001164508.2(NEB):c.5136_5139del (p.Ser1712fs)

Gene: NEB (nebulin; minus strand). Cytogenetic location: 2q23.3.
Variant type: Deletion.
Coding change: c.5136_5139del on transcript NM_001164508.2 (MANE Select); coding-DNA positions 5136 to 5139, 4 bases deleted (TGAG; older notation c.5136_5139delTGAG).
Protein change: p.Ser1712fs; shifts the reading frame from serine 1712.
Molecular consequence: frameshift variant.
Genome position (GRCh38, 1-based): chr2:151,665,432-151,665,435, CTCA deleted on the plus strand (TGAG on the coding strand, the reverse complement: NEB is on the minus strand); deleting any 4 consecutive bases within chr2:151,665,432-151,665,437 gives the same sequence; the c. name uses the placement nearest the transcript's 3' end. VCF-style (leftmost placement, unchanged base first): chr2-151665431-TCTCA-T. GRCh37 (hg19) VCF-style: chr2-152521945-TCTCA-T.
Other names: c.5136_5139del, p.Ser1712fs (NM_001164507.2, NM_001271208.2, NM_004543.5); c.5134_5137delAGTG, p.Ser1712Argfs (NM_001271208.1); c.5136_5139delTGAG (NM_001271208.2); short protein forms S1712fs.
Identifiers: ClinVar variation 2677169 (VCV002677169.5), dbSNP rs2099203002, ClinGen allele CA1298287634.
Genomic context (GRCh38, chr2:151,665,431, plus strand): 5'-GTTCCATTGTGTCCATGGCGTAAGTGAACTTCAGCTTCTCGGGGTGCTGGCGATACTTCT[TCTCA>T]CTAAGAATCTCTCCTGCTTTCTTTGCCTTCTCCACCTCCAGGGACTCTATGGGCACCCAG-3'